The following is an entry in ClinVar:

NM_020632.3(ATP6V0A4):c.2426A>G (p.His809Arg)

Gene: ATP6V0A4 (ATPase H+ transporting V0 subunit a4; minus strand). Cytogenetic location: 7q34.
Variant type: single nucleotide variant.
Coding change: c.2426A>G on transcript NM_020632.3 (MANE Select); coding-DNA position 2426, A replaced by G.
Protein change: p.His809Arg; replaces histidine 809 with arginine.
Molecular consequence: missense variant.
Genome position (GRCh38, 1-based): chr7:138,709,627, T>C on the plus strand (A>G on the coding strand, the complement: ATP6V0A4 is on the minus strand). VCF-style: chr7-138709627-T-C. GRCh37 (hg19) VCF-style: chr7-138394372-T-C.
Other names: c.2426A>G, p.His809Arg (NM_130840.3, NM_130841.3); short protein forms H809R.
Identifiers: ClinVar variation 3236448 (VCV003236448.3), dbSNP rs1227606232, ClinGen allele CA369374672.

ClinVar aggregate classification (germline): Uncertain significance (1 of 4 stars; one submission).

Conditions:
Renal tubular acidosis, distal, 3, with or without sensorineural hearing loss (DRTA3). Identifiers: MedGen C5399980, MONDO:0011268, OMIM 602722.

Allele frequency attached by ClinVar (database versions not stated): gnomAD exomes below 0.00001; gnomAD 0.00001; TOPMed 0.00001.
gnomAD v4.1: 2 of 1,612,258 alleles (0.00012%); highest among the groups gnomAD compares: Non-Finnish European, 0.00017%; no homozygotes.

Submission:

Neuberg Centre For Genomic Medicine, NCGM
Classification: Uncertain significance for Renal tubular acidosis, distal, 3, with or without sensorineural hearing loss. Review status: criteria provided, single submitter. Criteria: ACMG Guidelines, 2015. Collection method: clinical testing. Allele origin: germline. Inheritance: Autosomal recessive inheritance. Affected: yes.
Comment: The missense c.2426A>G p.His809Arg variant in ATP6V0A4 gene has not been reported previously as a pathogenic variant nor as a benign variant, to our knowledge. The p.His809Arg variant is novel not in any individuals in gnomAD Exomes and 1000 Genomes. This variant has not been reported to the ClinVar database. The amino acid change p.His809Arg in ATP6V0A4 is predicted as conserved by GERP++ and PhyloP across 100 vertebrates. The amino acid His at position 809 is changed to a Arg changing protein sequence and it might alter its composition and physico-chemical properties. For these reasons, this variant has been classified as Variant of Uncertain Significance VUS.